The following is an entry in ClinVar:

NC_000004.11:g.(?_186421813)_(186456662_?)dup

Gene: PDLIM3 (PDZ and LIM domain 3; minus strand). Cytogenetic location: 4q35.1.
Variant type: Duplication.
Identifiers: ClinVar variation 4847793 (VCV004847793.1).

ClinVar aggregate classification (germline): Uncertain significance (1 of 4 stars; one submission).

Submission:

Women's Health and Genetics/Laboratory Corporation of America, LabCorp
Classification: Uncertain significance. Last evaluated: 2026-02-16. Review status: criteria provided, single submitter. Criteria: LabCorp Variant Classification Summary - May 2015. Collection method: clinical testing. Allele origin: germline.
Comment: Variant summary: The variant involves the duplication of exons 1-8 in the PDLIM3 gene. A presumed nomenclature of c.(?_-74)_(*1635_?)dup has been designated for the purposes of this classification. This duplication includes the entire coding sequence of the gene. The variant was absent in 21688 control chromosomes. The available data on variant occurrences in the general population are insufficient to allow any conclusion about variant significance. A similar copy number gain has been observed in at least 1 individual(s) affected with Hypertrophic Cardiomyopathy (example, Burstein_2021) without strong evidence for causality. These report(s) do not provide unequivocal conclusions about association of the variant with Hypertrophic Cardiomyopathy. To our knowledge, no experimental evidence demonstrating an impact on protein function has been reported. The following publication has been ascertained in the context of this evaluation (PMID: 32746448). ClinVar contains an entry for this a similar copy number variant (Variation ID: 1017196). Based on the evidence outlined above, the variant was classified as uncertain significance.

Literature cited by the submitters: PubMed 32746448.